The following is an entry in ClinVar:

NM_198692.3(KRTAP10-11):c.21T>C (p.Ser7=)

Genes: KRTAP10-11 (keratin associated protein 10-11; plus strand), TSPEAR (thrombospondin type laminin G domain and EAR repeats; minus strand). Cytogenetic location: 21q22.3.
Variant type: single nucleotide variant.
Coding change: c.21T>C on transcript NM_198692.3 (MANE Select); coding-DNA position 21, T replaced by C.
Protein change: p.Ser7=; no amino-acid change (serine 7 retained).
Molecular consequence: synonymous variant. On other transcripts: intron variant (2).
Genome position (GRCh38, 1-based): chr21:44,646,479, T>C. VCF-style: chr21-44646479-T-C. GRCh37 (hg19) VCF-style: chr21-46066396-T-C.
Other names: c.82+64954A>G (NM_144991.3); c.-123+44066A>G (NM_001272037.2).
Identifiers: ClinVar variation 2652774 (VCV002652774.24), dbSNP rs201588729, ClinGen allele CA10060709.

ClinVar aggregate classification (germline): Likely benign (1 of 4 stars; one submission).

Allele frequency attached by ClinVar (database versions not stated): gnomAD 0.00001; ExAC 0.00003; TOPMed 0.00005.
gnomAD v4.1: 113 of 1,612,544 alleles (0.007%); highest among the groups gnomAD compares: Non-Finnish European, 0.0081%; no homozygotes.

Submission:

CeGaT Center for Human Genetics Tuebingen
Classification: Likely benign. Last evaluated: 2023-04-01. Review status: criteria provided, single submitter. Criteria: CeGaT Center For Human Genetics Tuebingen Variant Classification Criteria Version 2. Collection method: clinical testing. Allele origin: germline. Affected: yes. Observed: 1 variant allele.
Comment: KRTAP10-11: BP4, BP7